The following is an entry in ClinVar:

ClinVar aggregate classification (germline): Pathogenic. Review status: criteria provided, multiple submitters, no conflicts (2 of 4 stars). 2 submissions from 2 submitters: Pathogenic (2). Last evaluated 2025-06-02.

Conditions:
Transient bullous dermolysis of the newborn (TBDN). Also called: EPIDERMOLYSIS BULLOSA DYSTROPHICA, NEONATAL FORM; DYSTROPHIC EPIDERMOLYSIS BULLOSA, NEONATAL. Identifiers: Orphanet 79411, MedGen C1851573, MONDO:0007548, OMIM 131705.
Recessive dystrophic epidermolysis bullosa (RDEB). Also called: Recessive DEB (RDEB); DYSTROPHIC EPIDERMOLYSIS BULLOSA, AUTOSOMAL RECESSIVE; EPIDERMOLYSIS BULLOSA DYSTROPHICA, HALLOPEAU-SIEMENS TYPE; Epidermolysis Bullosa Distrophica Autosomal Recessive (RDEB); Hallopeau-Siemens Disease; severe generalized recessive dystrophic epidermolysis bullosa. Identifiers: Orphanet 79408, Orphanet 79409, MedGen C0079474, MONDO:0009179, OMIM 226600.
Epidermolysis bullosa pruriginosa. Also called: DEB, PRURIGINOSA; DYSTROPHIC EPIDERMOLYSIS BULLOSA PRURIGINOSA. Identifiers: Orphanet 89843, MedGen C1275114, MONDO:0011398, OMIM 604129.
Pretibial dystrophic epidermolysis bullosa. Also called: EPIDERMOLYSIS BULLOSA DYSTROPHICA, PRETIBIAL; Pretibial epidermolysis bullosa; Pretibial blistering. Identifiers: Orphanet 79410, MedGen C0432321, MONDO:0007552, OMIM 131850, HP:0012221.
Epidermolysis bullosa dystrophica. Also called: Dystrophic epidermolysis bullosa, Hallopeau-Siemens type (formerly); Dystrophic epidermolysis bullosa. Identifiers: Orphanet 303, MedGen C0079294, MONDO:0006543.

Submissions (2):

First Genomix Gene Laboratory, Genetic Diagnostics Department
Classification: Pathogenic for Recessive dystrophic epidermolysis bullosa; Epidermolysis bullosa pruriginosa; Pretibial dystrophic epidermolysis bullosa; Transient bullous dermolysis of the newborn. Last evaluated: 2025-06-02. Review status: criteria provided, single submitter. Criteria: ACMG Guidelines, 2015. Collection method: clinical testing. Allele origin: germline. Inheritance: Autosomal recessive inheritance. Affected: no. Observed: 1 variant allele.

Biomedical Innovation Departament, CIEMAT
Classification: Pathogenic for Dystrophic epidermolysis bullosa. Last evaluated: 2018-12-01. Review status: criteria provided, single submitter. Criteria: ACMG Guidelines, 2015. Collection method: research. Allele origin: germline. Affected: yes. Observed: 1 variant allele.

Literature cited by the submitters: PubMed 18565177 (cited by Biomedical Innovation Departament, CIEMAT).

NM_000094.4(COL7A1):c.8209G>C (p.Gly2737Arg)

Gene: COL7A1 (collagen type VII alpha 1 chain; minus strand). Cytogenetic location: 3p21.31.
Variant type: single nucleotide variant.
Coding change: c.8209G>C on transcript NM_000094.4 (MANE Select); coding-DNA position 8209, G replaced by C.
Protein change: p.Gly2737Arg; replaces glycine 2737 with arginine.
Molecular consequence: missense variant.
Genome position (GRCh38, 1-based): chr3:48,566,924, C>G on the plus strand (G>C on the coding strand, the complement: COL7A1 is on the minus strand). VCF-style: chr3-48566924-C-G. GRCh37 (hg19) VCF-style: chr3-48604357-C-G.
Other names: short protein forms G2737R.
Identifiers: ClinVar variation 1047951 (VCV001047951.2), dbSNP rs2043632416, ClinGen allele CA352639439.
Genomic context (GRCh38, chr3:48,566,924, plus strand): 5'-AGGGAAGGTTCAGGGATCAGGAGTCAGAGCTGGGGCCCCTTACCTTCTGGCCCTGAAGTC[C>G]TTCGGGGCCTCTGGGACCAACACTGCCAGGTGGCCCTGGGGGACCAGCAGAGCCATCATT-3'
Protein context (NP_000085.1, residues 2727-2747): PGSVGPRGPE[Gly2737Arg]LQGQKGERGP